The following is an entry in ClinVar:

ClinVar aggregate classification (germline): Pathogenic (1 of 4 stars; one submission).

Submission:

GeneDx
Classification: Pathogenic. Last evaluated: 2017-11-01. Review status: criteria provided, single submitter. Criteria: GeneDx Variant Classification (06012015). Collection method: clinical testing. Allele origin: germline. Affected: yes.
Comment: The c.905_915dup11 variant in the SETD5 gene has not been reported previously as a pathogenic variant nor as a benign variant, to our knowledge. The c.905_915dup11 variant causes a frameshift starting with codon Methionine 306, changes this amino acid to a Valine residue, and creates a premature Stop codon at position 33 of the new reading frame, denoted p.Met306ValfsX33. This variant is predicted to cause loss of normal protein function either through protein truncation or nonsense-mediated mRNA decay. The c.905_915dup11 variant is not observed in large populationcohorts (Lek et al., 2016). We interpret c.905_915dup11 as a pathogenic variant.

NM_001080517.3(SETD5):c.905_915dup (p.Met306fs)

Gene: SETD5 (SET domain containing 5; plus strand). Cytogenetic location: 3p25.3.
Variant type: Duplication.
Coding change: c.905_915dup on transcript NM_001080517.3 (MANE Select); coding-DNA positions 905 to 915, 11 bases duplicated (GTGGGAAAGTC).
Protein change: p.Met306fs; shifts the reading frame from methionine 306.
Molecular consequence: frameshift variant.
Genome position (GRCh38, 1-based): chr3:9,441,687-9,441,697, GTGGGAAAGTC duplicated; duplicating any 11 consecutive bases within chr3:9,441,685-9,441,697 gives the same sequence; the c. name uses the placement nearest the transcript's 3' end. VCF-style (leftmost placement, unchanged base first): chr3-9441684-A-ATCGTGGGAAAG. GRCh37 (hg19) VCF-style: chr3-9483368-A-ATCGTGGGAAAG.
Other names: c.611_621dup, p.Met208fs (NM_001292043.2, NM_001349451.2); short protein forms M306fs, M208fs.
Identifiers: ClinVar variation 503788 (VCV000503788.2), dbSNP rs1553621390, ClinGen allele CA658796225.